The following is an entry in ClinVar:

ClinVar aggregate classification (germline): Uncertain significance. Review status: criteria provided, multiple submitters, no conflicts (2 of 4 stars). 2 submissions from 2 submitters: Uncertain significance (2). Last evaluated 2025-08-29.

gnomAD v4.1: 32 of 1,613,270 alleles (0.002%); highest among the groups gnomAD compares: African/African-American, 0.017%; no homozygotes.

Submissions (2):

Ambry Genetics
Classification: Uncertain significance. Last evaluated: 2025-08-29. Review status: criteria provided, single submitter. Criteria: Ambry Variant Classification Scheme 2023. Collection method: clinical testing. Allele origin: germline.

Labcorp Genetics (formerly Invitae), Labcorp
Classification: Uncertain significance. Last evaluated: 2024-10-17. Review status: criteria provided, single submitter. Criteria: Invitae Variant Classification Sherloc (09022015). Collection method: clinical testing. Allele origin: germline.
Comment: This sequence change replaces proline, which is neutral and non-polar, with leucine, which is neutral and non-polar, at codon 192 of the ZNF687 protein (p.Pro192Leu). This variant is present in population databases (rs761570375, gnomAD 0.02%). This variant has not been reported in the literature in individuals affected with ZNF687-related conditions. An algorithm developed to predict the effect of missense changes on protein structure and function (PolyPhen-2) suggests that this variant is likely to be disruptive. In summary, the available evidence is currently insufficient to determine the role of this variant in disease. Therefore, it has been classified as a Variant of Uncertain Significance.

NM_020832.3(ZNF687):c.575C>T (p.Pro192Leu)

Gene: ZNF687 (zinc finger protein 687; plus strand). Cytogenetic location: 1q21.3.
Variant type: single nucleotide variant.
Coding change: c.575C>T on transcript NM_020832.3 (MANE Select); coding-DNA position 575, C replaced by T.
Protein change: p.Pro192Leu; replaces proline 192 with leucine.
Molecular consequence: missense variant.
Genome position (GRCh38, 1-based): chr1:151,286,866, C>T. VCF-style: chr1-151286866-C-T. GRCh37 (hg19) VCF-style: chr1-151259342-C-T.
Other names: c.575C>T, p.Pro192Leu (NM_001304763.2, NM_001304764.2); c.575C>T (NM_020832.1); short protein forms P192L.
Identifiers: ClinVar variation 3633885 (VCV003633885.3).